The following is an entry in ClinVar:

ClinVar aggregate classification (germline): Benign. Review status: criteria provided, single submitter (1 of 4 stars). 2 submissions from 2 submitters: Benign (1). 1 of the submissions does not count toward it. Last evaluated 2021-02-01.

Conditions:
TUBA4A-related disorder. Also called: TUBA4A-related condition.

Allele frequency attached by ClinVar (database versions not stated): gnomAD exomes 0.00004 and 0.00009; ExAC 0.00007; TOPMed 0.00022; gnomAD 0.00025 and 0.00027.

Submissions (2):

GeneDx
Classification: Benign. Last evaluated: 2021-02-01. Review status: criteria provided, single submitter. Criteria: GeneDx Variant Classification Process June 2021. Collection method: clinical testing. Allele origin: germline. Affected: yes.

PreventionGenetics, part of Exact Sciences
Classification: Likely benign for TUBA4A-related condition. Last evaluated: 2022-12-15. Review status: no assertion criteria provided. Collection method: clinical testing. Allele origin: germline. Not counted in ClinVar's aggregate classification.
Comment: This variant is classified as likely benign based on ACMG/AMP sequence variant interpretation guidelines (Richards et al. 2015 PMID: 25741868, with internal and published modifications).

NM_006000.3(TUBA4A):c.1155C>T (p.Ala385=)

Gene: TUBA4A (tubulin alpha 4a; minus strand). Cytogenetic location: 2q35.
Variant type: single nucleotide variant.
Coding change: c.1155C>T on transcript NM_006000.3 (MANE Select); coding-DNA position 1155, C replaced by T.
Protein change: p.Ala385=; no amino-acid change (alanine 385 retained).
Molecular consequence: synonymous variant.
Genome position (GRCh38, 1-based): chr2:219,250,544, G>A on the plus strand (C>T on the coding strand, the complement: TUBA4A is on the minus strand). VCF-style: chr2-219250544-G-A. GRCh37 (hg19) VCF-style: chr2-220115266-G-A.
Other names: c.1110C>T, p.Ala370= (NM_001278552.2).
Identifiers: ClinVar variation 1230337 (VCV001230337.5), dbSNP rs752266046, ClinGen allele CA2122375.